The following is an entry in ClinVar:

ClinVar aggregate classification (germline): Likely pathogenic (1 of 4 stars; one submission).

Conditions:
Autosomal recessive limb-girdle muscular dystrophy type 2J (LGMDR10). Also called: Limb-girdle muscular dystrophy, type 2J; MUSCULAR DYSTROPHY, LIMB-GIRDLE, AUTOSOMAL RECESSIVE 10. Identifiers: Orphanet 140922, MedGen C1837342, MONDO:0012127, OMIM 608807.
Dilated cardiomyopathy 1G (CMD1G). Identifiers: Orphanet 154, MedGen C1858763, MONDO:0011400, OMIM 604145.

Submission:

Labcorp Genetics (formerly Invitae), Labcorp
Classification: Likely pathogenic for Dilated cardiomyopathy 1G; Autosomal recessive limb-girdle muscular dystrophy type 2J. Last evaluated: 2025-05-22. Review status: criteria provided, single submitter. Criteria: Invitae Variant Classification Sherloc (09022015). Collection method: clinical testing. Allele origin: germline.
Comment: This sequence change creates a premature translational stop signal (p.Asp18386Valfs*36) in the TTN gene. While this is not anticipated to result in nonsense mediated decay, it is expected to create a truncated TTN protein. This variant is not present in population databases (gnomAD no frequency). This variant has not been reported in the literature in individuals affected with TTN-related conditions. This variant is located in the A band of TTN (PMID: 25589632). Truncating variants in this region are significantly overrepresented in patients affected with dilated cardiomyopathy (PMID: 25589632). Truncating variants in this region have also been reported in individuals affected with autosomal recessive centronuclear myopathy (PMID: 23975875). In summary, the currently available evidence indicates that the variant is pathogenic, but additional data are needed to prove that conclusively. Therefore, this variant has been classified as Likely Pathogenic.

Literature cited by the submitters: PubMed 25589632; PubMed 23975875.

NM_001267550.2(TTN):c.55157_55160del (p.Asp18386fs)

Genes: TTN (titin; minus strand), TTN-AS1 (TTN antisense RNA 1; plus strand). Cytogenetic location: 2q31.2.
Variant type: Deletion.
Coding change: c.55157_55160del on transcript NM_001267550.2 (MANE Select); coding-DNA positions 55157 to 55160, 4 bases deleted (ACTG; older notation c.55157_55160delACTG).
Protein change: p.Asp18386fs; shifts the reading frame from aspartic acid 18386.
Molecular consequence: frameshift variant.
Genome position (GRCh38, 1-based): chr2:178,602,111-178,602,114, CAGT deleted on the plus strand (ACTG on the coding strand, the reverse complement: TTN is on the minus strand); deleting any 4 consecutive bases within chr2:178,602,111-178,602,115 gives the same sequence; the c. name uses the placement nearest the transcript's 3' end. VCF-style (leftmost placement, unchanged base first): chr2-178602110-ACAGT-A. GRCh37 (hg19) VCF-style: chr2-179466837-ACAGT-A.
Other names: c.50234_50237del, p.Asp16745fs (NM_001256850.1); c.27962_27965del, p.Asp9321fs (NM_003319.4); c.47453_47456del, p.Asp15818fs (NM_133378.4); c.28337_28340del, p.Asp9446fs (NM_133432.3); c.28538_28541del, p.Asp9513fs (NM_133437.4); short protein forms D18386fs, D9321fs, D16745fs, D9513fs, D15818fs, D9446fs.
Identifiers: ClinVar variation 4785077 (VCV004785077.1).